The following is an entry in ClinVar:

ClinVar aggregate classification (germline): Likely pathogenic. Review status: criteria provided, multiple submitters, no conflicts (2 of 4 stars). 2 submissions from 2 submitters: Likely pathogenic (2). Last evaluated 2024-02-25.

Conditions:
Type 2 diabetes mellitus. Also called: Type II diabetes mellitus. Identifiers: MedGen C0011860, MeSH D003924, MONDO:0005148, OMIM 125853, HP:0005978.
Hereditary hyperinsulinism.

Submissions (2):

Natera, Inc.
Classification: Likely pathogenic for Hereditary hyperinsulinism. Last evaluated: 2024-02-25. Review status: criteria provided, single submitter. Criteria: Natera Variant Classification Schema (03/2026). Collection method: clinical testing. Allele origin: germline.
Comment: The c.3162+2T>A variant in ABCC8 is a canonical splice donor site variant predicted to affect pre-mRNA splicing, which may result in an abnormal transcript and altered protein product. This variant is expected to result in nonsense mediated decay, truncation, or a dysfunctional protein product. This variant is rare in the general population with a frequency below the threshold expected for the associated phenotype(s). Given the available evidence, this variant is classified as Likely Pathogenic.

Baylor Genetics
Classification: Likely pathogenic for Type 2 diabetes mellitus. Last evaluated: 2023-01-01. Review status: criteria provided, single submitter. Criteria: ACMG Guidelines, 2015. Collection method: clinical testing. Allele origin: unknown.

NM_000352.6(ABCC8):c.3162+2T>A

Gene: ABCC8 (ATP binding cassette subfamily C member 8; minus strand). Cytogenetic location: 11p15.1.
Variant type: single nucleotide variant.
Coding change: c.3162+2T>A on transcript NM_000352.6 (MANE Select); the canonical splice donor site of the intron after coding-DNA position 3162, T replaced by A.
Molecular consequence: splice donor variant.
Genome position (GRCh38, 1-based): chr11:17,406,886, A>T on the plus strand (T>A on the coding strand, the complement: ABCC8 is on the minus strand). VCF-style: chr11-17406886-A-T. GRCh37 (hg19) VCF-style: chr11-17428433-A-T.
Other names: c.3159+2T>A (NM_001351297.2); c.3162+2T>A (NM_001351296.2, NM_000352.4); c.3228+2T>A (NM_001351295.2); c.3165+2T>A (NM_001287174.3).
Identifiers: ClinVar variation 2678380 (VCV002678380.2), dbSNP rs2496529464, ClinGen allele CA379803059.